The following is an entry in ClinVar:

NM_001372044.2(SHANK3):c.1235C>G

Gene: SHANK3 (SH3 and multiple ankyrin repeat domains 3; plus strand). Cytogenetic location: 22q13.33.
Variant type: single nucleotide variant.
Coding change: c.1235C>G on transcript NM_001372044.2 (MANE Select); coding-DNA position 1235, C replaced by G.
Molecular consequence: missense variant (on NM_033517.1).
Genome position (GRCh38, 1-based): chr22:50,684,631, C>G. VCF-style: chr22-50684631-C-G. GRCh37 (hg19) VCF-style: chr22-51123059-C-G.
Other names: c.1010C>G, p.Thr337Ser (NM_033517.1); short protein forms T337S.
Identifiers: ClinVar variation 224161 (VCV000224161.2), dbSNP rs869312715, ClinGen allele CA353428.

ClinVar aggregate classification (germline): Uncertain significance. Review status: criteria provided, multiple submitters, no conflicts (2 of 4 stars). 2 submissions from 2 submitters: Uncertain significance (2). Last evaluated 2022-06-17.

Conditions:
Phelan-McDermid syndrome. Also called: Phelan-McDermid Syndrome-SHANK3 Related; TELOMERIC 22q13 MONOSOMY SYNDROME; 22q13.3 deletion syndrome. Identifiers: Orphanet 48652, MedGen C1853490, MONDO:0011652, OMIM 606232.

Submissions (2):

Institute of Human Genetics, University of Leipzig Medical Center
Classification: Uncertain significance for Phelan-McDermid syndrome. Last evaluated: 2022-06-17. Review status: criteria provided, single submitter. Criteria: ACMG Guidelines, 2015. Collection method: clinical testing. Allele origin: unknown. Affected: yes.
Comment: Despite strong evidence for its pathogenicity, this variant has to be classified as of unknown significance, according to the ACMG-criteria (Richards et al., 2015)_x000D_ Criteria applied: PS2_MOD, PM2_SUP, PP2

HudsonAlpha Institute for Biotechnology
Classification: Uncertain significance for Phelan-McDermid syndrome. Last evaluated: 2016-02-11. Review status: criteria provided, single submitter. Criteria: HA_assertions_20161101. Collection method: research. Allele origin: de novo. Affected: yes. Study: CSER-HudsonAlpha.